The following is an entry in ClinVar:

NM_173630.4(RTTN):c.1866G>A (p.Met622Ile)

Gene: RTTN (rotatin; minus strand). Cytogenetic location: 18q22.2.
Variant type: single nucleotide variant.
Coding change: c.1866G>A on transcript NM_173630.4 (MANE Select); coding-DNA position 1866, G replaced by A.
Protein change: p.Met622Ile; replaces methionine 622 with isoleucine.
Molecular consequence: missense variant. On other transcripts: 5 prime UTR variant (1).
Genome position (GRCh38, 1-based): chr18:70,166,125, C>T on the plus strand (G>A on the coding strand, the complement: RTTN is on the minus strand). VCF-style: chr18-70166125-C-T. GRCh37 (hg19) VCF-style: chr18-67833361-C-T.
Other names: c.-782G>A (NM_001318520.2); c.1866G>A (NM_173630.3); short protein forms M622I.
Identifiers: ClinVar variation 1908945 (VCV001908945.3), dbSNP rs768022353, ClinGen allele CA8996065.

ClinVar aggregate classification (germline): Conflicting classifications of pathogenicity. Review status: criteria provided, conflicting classifications (1 of 4 stars). 2 submissions from 2 submitters: Uncertain significance (1); Likely benign (1). Last evaluated 2025-02-27.

Conditions:
Inborn genetic diseases. Identifiers: MedGen C0950123, MeSH D030342.

Allele frequency attached by ClinVar (database versions not stated): TOPMed below 0.00001; ExAC 0.00001; gnomAD 0.00001; gnomAD exomes 0.00001.
gnomAD v4.1: 8 of 1,613,642 alleles (0.0005%); highest among the groups gnomAD compares: African/African-American, 0.0013%; no homozygotes.

Submissions (2):

Ambry Genetics
Classification: Likely benign for Inborn genetic diseases. Last evaluated: 2025-02-27. Review status: criteria provided, single submitter. Criteria: Ambry Variant Classification Scheme 2023. Collection method: clinical testing. Allele origin: germline.

Labcorp Genetics (formerly Invitae), Labcorp
Classification: Uncertain significance. Last evaluated: 2022-07-03. Review status: criteria provided, single submitter. Criteria: Invitae Variant Classification Sherloc (09022015). Collection method: clinical testing. Allele origin: germline.
Comment: This sequence change replaces methionine, which is neutral and non-polar, with isoleucine, which is neutral and non-polar, at codon 622 of the RTTN protein (p.Met622Ile). This variant is present in population databases (rs768022353, gnomAD 0.002%). This variant has not been reported in the literature in individuals affected with RTTN-related conditions. Algorithms developed to predict the effect of missense changes on protein structure and function (SIFT, PolyPhen-2, Align-GVGD) all suggest that this variant is likely to be tolerated. In summary, the available evidence is currently insufficient to determine the role of this variant in disease. Therefore, it has been classified as a Variant of Uncertain Significance.